The following is an entry in ClinVar:

ClinVar aggregate classification (germline): Conflicting classifications of pathogenicity. Review status: criteria provided, conflicting classifications (1 of 4 stars). 2 submissions from 2 submitters: Uncertain significance (1); Likely benign (1). Last evaluated 2025-11-22.

Conditions:
Cardiovascular phenotype. Identifiers: MedGen CN230736.
Danon disease. Also called: Glycogen Storage Disease Type IIb; PSEUDOGLYCOGENOSIS II; GSD IIb; LYSOSOMAL GLYCOGEN STORAGE DISEASE WITHOUT ACID MALTASE DEFICIENCY; ANTOPOL DISEASE. Identifiers: Orphanet 34587, MedGen C0878677, MONDO:0010281, OMIM 300257.

Allele frequency attached by ClinVar (database versions not stated): gnomAD exomes below 0.00001; TOPMed 0.00002.
gnomAD v4.1: 1 of 1,204,732 alleles (0.000083%); highest among the groups gnomAD compares: African/African-American, 0.0017%; no homozygotes.

Submissions (2):

Labcorp Genetics (formerly Invitae), Labcorp
Classification: Uncertain significance for Danon disease. Last evaluated: 2025-11-22. Review status: criteria provided, single submitter. Criteria: Invitae Variant Classification Sherloc (09022015). Collection method: clinical testing. Allele origin: germline.
Comment: This sequence change replaces valine, which is neutral and non-polar, with leucine, which is neutral and non-polar, at codon 339 of the LAMP2 protein (p.Val339Leu). This variant is not present in population databases (gnomAD no frequency). This missense change has been observed in individual(s) with clinical features of LAMP2-related conditions (internal data). ClinVar contains an entry for this variant (Variation ID: 652435). Invitae Evidence Modeling of protein sequence and biophysical properties (such as structural, functional, and spatial information, amino acid conservation, physicochemical variation, residue mobility, and thermodynamic stability) indicates that this missense variant is not expected to disrupt LAMP2 protein function with a negative predictive value of 80%. In summary, the available evidence is currently insufficient to determine the role of this variant in disease. Therefore, it has been classified as a Variant of Uncertain Significance.

Ambry Genetics
Classification: Likely benign for Cardiovascular phenotype. Last evaluated: 2024-11-22. Review status: criteria provided, single submitter. Criteria: Ambry Variant Classification Scheme 2023. Collection method: clinical testing. Allele origin: germline.

NM_002294.3(LAMP2):c.1015G>C (p.Val339Leu)

Gene: LAMP2 (lysosome associated membrane protein 2; minus strand). Cytogenetic location: Xq24.
Variant type: single nucleotide variant.
Coding change: c.1015G>C on transcript NM_002294.3 (MANE Select); coding-DNA position 1015, G replaced by C.
Protein change: p.Val339Leu; replaces valine 339 with leucine.
Molecular consequence: missense variant.
Genome position (GRCh38, 1-based): chrX:120,441,808, C>G on the plus strand (G>C on the coding strand, the complement: LAMP2 is on the minus strand). VCF-style: chrX-120441808-C-G. GRCh37 (hg19) VCF-style: chrX-119575663-C-G.
Other names: c.1015G>C, p.Val339Leu (NM_013995.2, NM_001122606.1); short protein forms V339L.
Identifiers: ClinVar variation 652435 (VCV000652435.13), dbSNP rs1602532154, ClinGen allele CA414400054.